The following is an entry in ClinVar:

NM_004453.4(ETFDH):c.995C>T (p.Pro332Leu)

Gene: ETFDH (electron transfer flavoprotein dehydrogenase; plus strand). Cytogenetic location: 4q32.1.
Variant type: single nucleotide variant.
Coding change: c.995C>T on transcript NM_004453.4 (MANE Select); coding-DNA position 995, C replaced by T.
Protein change: p.Pro332Leu; replaces proline 332 with leucine.
Molecular consequence: missense variant.
Genome position (GRCh38, 1-based): chr4:158,699,009, C>T. VCF-style: chr4-158699009-C-T. GRCh37 (hg19) VCF-style: chr4-159620161-C-T.
Other names: c.854C>T, p.Pro285Leu (NM_001281737.2); c.812C>T, p.Pro271Leu (NM_001281738.1); short protein forms P332L, P271L, P285L.
Identifiers: ClinVar variation 1970035 (VCV001970035.3), dbSNP rs747504613, ClinGen allele CA3122532.
Genomic context (GRCh38, chr4:158,699,009, plus strand): 5'-TAAAAATGTCTAATTAAATATAAGTGTAAATTTTTAAGGTTGGTCTAGACTATCAGAATC[C>T]ATACCTGAGTCCATTTAGAGAGTTCCAAAGGTGGAAACACCATCCTAGCATTCGGCCAAC-3'
Protein context (NP_004444.2, residues 322-342): GLVVGLDYQN[Pro332Leu]YLSPFREFQR

ClinVar aggregate classification (germline): Uncertain significance. Review status: criteria provided, multiple submitters, no conflicts (2 of 4 stars). 2 submissions from 2 submitters: Uncertain significance (2). Last evaluated 2024-08-16.

Conditions:
Multiple acyl-CoA dehydrogenase deficiency (MADD). Also called: ETHYLMALONIC-ADIPICACIDURIA; GA II; Glutaric aciduria, type 2; Glutaric acidemia type II; GA 2; Glutaric Acidemia type 2. Identifiers: Orphanet 26791, MedGen C0268596, MONDO:0009282, OMIM 231680.

Allele frequency attached by ClinVar (database versions not stated): ExAC 0.00001; gnomAD exomes 0.00001.
gnomAD v4.1: 5 of 1,608,464 alleles (0.00031%); highest among the groups gnomAD compares: Non-Finnish European, 0.00043%; no homozygotes.

Submissions (2):

Laboratorio de Genetica e Diagnostico Molecular, Hospital Israelita Albert Einstein
Classification: Uncertain significance for Multiple acyl-CoA dehydrogenase deficiency. Last evaluated: 2024-08-16. Review status: criteria provided, single submitter. Criteria: ACMG Guidelines, 2015. Collection method: clinical testing. Allele origin: germline. Affected: yes.
Comment: ACMG classification criteria: PM2 supporting, PP3 supporting

Labcorp Genetics (formerly Invitae), Labcorp
Classification: Uncertain significance for Multiple acyl-CoA dehydrogenase deficiency. Last evaluated: 2022-08-19. Review status: criteria provided, single submitter. Criteria: Invitae Variant Classification Sherloc (09022015). Collection method: clinical testing. Allele origin: germline.
Comment: This sequence change replaces proline, which is neutral and non-polar, with leucine, which is neutral and non-polar, at codon 332 of the ETFDH protein (p.Pro332Leu). This variant is present in population databases (rs747504613, gnomAD 0.0009%). This variant has not been reported in the literature in individuals affected with ETFDH-related conditions. Advanced modeling of protein sequence and biophysical properties (such as structural, functional, and spatial information, amino acid conservation, physicochemical variation, residue mobility, and thermodynamic stability) performed at Invitae indicates that this missense variant is expected to disrupt ETFDH protein function. In summary, the available evidence is currently insufficient to determine the role of this variant in disease. Therefore, it has been classified as a Variant of Uncertain Significance.